The following is an entry in ClinVar:

ClinVar aggregate classification (germline): Uncertain significance. Review status: criteria provided, multiple submitters, no conflicts (2 of 4 stars). 2 submissions from 2 submitters: Uncertain significance (2). Last evaluated 2025-09-04.

Allele frequency attached by ClinVar (database versions not stated): TOPMed 0.00006; gnomAD 0.00007.
gnomAD v4.1: 198 of 1,292,420 alleles (0.015%); highest among the groups gnomAD compares: Non-Finnish European, 0.017%; 1 homozygote.

Submissions (2):

Labcorp Genetics (formerly Invitae), Labcorp
Classification: Uncertain significance. Last evaluated: 2025-09-04. Review status: criteria provided, single submitter. Criteria: Invitae Variant Classification Sherloc (09022015). Collection method: clinical testing. Allele origin: germline.
Comment: This sequence change replaces arginine, which is basic and polar, with leucine, which is neutral and non-polar, at codon 32 of the TRIM28 protein (p.Arg32Leu). This variant is present in population databases (no rsID available, gnomAD 0.01%). This variant has not been reported in the literature in individuals affected with TRIM28-related conditions. ClinVar contains an entry for this variant (Variation ID: 2373521). Experimental studies and prediction algorithms are not available or were not evaluated, and the functional significance of this variant is currently unknown. In summary, the available evidence is currently insufficient to determine the role of this variant in disease. Therefore, it has been classified as a Variant of Uncertain Significance.

Ambry Genetics
Classification: Uncertain significance. Last evaluated: 2021-09-27. Review status: criteria provided, single submitter. Criteria: Ambry Variant Classification Scheme 2023. Collection method: clinical testing. Allele origin: germline.

NM_005762.3(TRIM28):c.95G>T (p.Arg32Leu)

Genes: TRIM28 (tripartite motif containing 28; plus strand), LOC130065239 (ATAC-STARR-seq lymphoblastoid silent region 11093; plus strand). Cytogenetic location: 19q13.43.
Variant type: single nucleotide variant.
Coding change: c.95G>T on transcript NM_005762.3 (MANE Select); coding-DNA position 95, G replaced by T.
Protein change: p.Arg32Leu; replaces arginine 32 with leucine.
Molecular consequence: missense variant.
Genome position (GRCh38, 1-based): chr19:58,544,852, G>T. VCF-style: chr19-58544852-G-T. GRCh37 (hg19) VCF-style: chr19-59056219-G-T.
Other names: short protein forms R32L.
Identifiers: ClinVar variation 2373521 (VCV002373521.3), dbSNP rs1321499679, ClinGen allele CA407902378.
Genomic context (GRCh38, chr19:58,544,852, plus strand): 5'-CGGCCTCGGCCGCCTCTGGCAGCCCGGGCCCGGGCGAGGGCTCCGCTGGCGGCGAAAAGC[G>T]CTCCACCGCCCCTTCGGCCGCAGCCTCGGCCTCTGCCTCAGCCGCGGCGTCGTCGCCCGC-3'
Protein context (NP_005753.1, residues 22-42): PGEGSAGGEK[Arg32Leu]STAPSAAASA